The following is an entry in ClinVar:

ClinVar aggregate classification (germline): Uncertain significance. Review status: criteria provided, multiple submitters, no conflicts (2 of 4 stars). 5 submissions from 5 submitters: Uncertain significance (5). Last evaluated 2026-01-25.

Conditions:
Megaloblastic anemia, thiamine-responsive, with diabetes mellitus and sensorineural deafness (TRMA). Also called: THIAMINE METABOLISM DYSFUNCTION SYNDROME 1 (MEGALOBLASTIC ANEMIA, DIABETES MELLITUS, AND DEAFNESS TYPE); Thiamine-Responsive Megaloblastic Anemia Syndrome; ROGERS SYNDROME; THIAMINE-RESPONSIVE ANEMIA SYNDROME; THIAMINE-RESPONSIVE MYELODYSPLASIA. Identifiers: Orphanet 49827, MedGen C0342287, MONDO:0009575, OMIM 249270.
Inborn genetic diseases. Identifiers: MedGen C0950123, MeSH D030342.

Allele frequency attached by ClinVar (database versions not stated): ESP Exome Variant Server 0.00008; gnomAD 0.00008; TOPMed 0.00009; ExAC 0.00014; gnomAD exomes 0.00016.
gnomAD v4.1: 240 of 1,613,804 alleles (0.015%); highest among the groups gnomAD compares: Middle Eastern, 0.049%; no homozygotes.

Submissions (5):

GeneDx
Classification: Uncertain significance. Last evaluated: 2026-01-25. Review status: criteria provided, single submitter. Criteria: GeneDx Variant Classification Process June 2021. Collection method: clinical testing. Allele origin: germline.
Comment: In silico analysis suggests that this missense variant does not alter protein structure/function; Has not been previously published as pathogenic or benign to our knowledge

Blueprint Genetics
Classification: Uncertain significance. Last evaluated: 2024-03-07. Review status: criteria provided, single submitter. Criteria: ACMG Guidelines, 2015. Collection method: clinical testing. Allele origin: germline.

Fulgent Genetics
Classification: Uncertain significance for Megaloblastic anemia, thiamine-responsive, with diabetes mellitus and sensorineural deafness. Last evaluated: 2024-01-18. Review status: criteria provided, single submitter. Criteria: ACMG Guidelines, 2015. Collection method: clinical testing. Allele origin: germline.

Ambry Genetics
Classification: Uncertain significance for Inborn genetic diseases. Last evaluated: 2022-10-04. Review status: criteria provided, single submitter. Criteria: Ambry Variant Classification Scheme 2023. Collection method: clinical testing. Allele origin: germline.

Labcorp Genetics (formerly Invitae), Labcorp
Classification: Uncertain significance. Last evaluated: 2022-08-18. Review status: criteria provided, single submitter. Criteria: Invitae Variant Classification Sherloc (09022015). Collection method: clinical testing. Allele origin: germline.
Comment: This sequence change replaces alanine, which is neutral and non-polar, with threonine, which is neutral and polar, at codon 467 of the SLC19A2 protein (p.Ala467Thr). This variant is present in population databases (rs147884156, gnomAD 0.02%). This variant has not been reported in the literature in individuals affected with SLC19A2-related conditions. Algorithms developed to predict the effect of missense changes on protein structure and function (SIFT, PolyPhen-2, Align-GVGD) all suggest that this variant is likely to be tolerated. In summary, the available evidence is currently insufficient to determine the role of this variant in disease. Therefore, it has been classified as a Variant of Uncertain Significance.

NM_006996.3(SLC19A2):c.1399G>A (p.Ala467Thr)

Gene: SLC19A2 (solute carrier family 19 member 2; minus strand). Cytogenetic location: 1q24.2.
Variant type: single nucleotide variant.
Coding change: c.1399G>A on transcript NM_006996.3 (MANE Select); coding-DNA position 1399, G replaced by A.
Protein change: p.Ala467Thr; replaces alanine 467 with threonine.
Molecular consequence: missense variant.
Genome position (GRCh38, 1-based): chr1:169,465,944, C>T on the plus strand (G>A on the coding strand, the complement: SLC19A2 is on the minus strand). VCF-style: chr1-169465944-C-T. GRCh37 (hg19) VCF-style: chr1-169435182-C-T.
Other names: c.1399G>A (NM_006996.2); c.796G>A, p.Ala266Thr (NM_001319667.1); short protein forms A266T, A467T.
Identifiers: ClinVar variation 2145562 (VCV002145562.6), dbSNP rs147884156, ClinGen allele CA1232830.